The following is an entry in ClinVar:

ClinVar aggregate classification (germline): Uncertain significance. Review status: criteria provided, multiple submitters, no conflicts (2 of 4 stars). 2 submissions from 2 submitters: Uncertain significance (2). Last evaluated 2026-05-19.

Conditions:
Cardiovascular phenotype. Identifiers: MedGen CN230736.
Legius syndrome. Identifiers: Orphanet 137605, MedGen C1969623, MONDO:0012669, OMIM 611431. Disease mechanism: loss of function.

gnomAD v4.1: 1 of 1,614,134 alleles (0.000062%); highest among the groups gnomAD compares: Non-Finnish European, 0.000085%; no homozygotes.

Submissions (2):

Ambry Genetics
Classification: Uncertain significance for Cardiovascular phenotype. Last evaluated: 2026-05-19. Review status: criteria provided, single submitter. Criteria: Ambry Variant Classification Scheme 2023. Collection method: clinical testing. Allele origin: germline.
Comment: The p.L302F variant (also known as c.906A>C), located in coding exon 7 of the SPRED1 gene, results from an A to C substitution at nucleotide position 906. The leucine at codon 302 is replaced by phenylalanine, an amino acid with highly similar properties. This amino acid position is conserved. In addition, the in silico prediction for this alteration is inconclusive. Based on the available evidence, the clinical significance of this variant remains unclear.

Labcorp Genetics (formerly Invitae), Labcorp
Classification: Uncertain significance for Legius syndrome. Last evaluated: 2024-02-09. Review status: criteria provided, single submitter. Criteria: Invitae Variant Classification Sherloc (09022015). Collection method: clinical testing. Allele origin: germline.
Comment: This sequence change replaces leucine, which is neutral and non-polar, with phenylalanine, which is neutral and non-polar, at codon 302 of the SPRED1 protein (p.Leu302Phe). This variant is not present in population databases (gnomAD no frequency). This variant has not been reported in the literature in individuals affected with SPRED1-related conditions. Advanced modeling of protein sequence and biophysical properties (such as structural, functional, and spatial information, amino acid conservation, physicochemical variation, residue mobility, and thermodynamic stability) performed at Invitae indicates that this missense variant is not expected to disrupt SPRED1 protein function with a negative predictive value of 80%. In summary, the available evidence is currently insufficient to determine the role of this variant in disease. Therefore, it has been classified as a Variant of Uncertain Significance.

NM_152594.3(SPRED1):c.906A>C (p.Leu302Phe)

Gene: SPRED1 (sprouty related EVH1 domain containing 1; plus strand). Cytogenetic location: 15q14.
Variant type: single nucleotide variant.
Coding change: c.906A>C on transcript NM_152594.3 (MANE Select); coding-DNA position 906, A replaced by C.
Protein change: p.Leu302Phe; replaces leucine 302 with phenylalanine.
Molecular consequence: missense variant.
Genome position (GRCh38, 1-based): chr15:38,351,235, A>C. VCF-style: chr15-38351235-A-C. GRCh37 (hg19) VCF-style: chr15-38643436-A-C.
Other names: c.906A>C (NM_152594.2); short protein forms L302F.
Identifiers: ClinVar variation 3639810 (VCV003639810.3).